The following is an entry in ClinVar:

ClinVar aggregate classification (germline): Likely benign (1 of 4 stars; one submission).

Submission:

CeGaT Center for Human Genetics Tuebingen
Classification: Likely benign. Last evaluated: 2025-12-01. Review status: criteria provided, single submitter. Criteria: CeGaT Center For Human Genetics Tuebingen Variant Classification Criteria Version 2. Collection method: clinical testing. Allele origin: germline. Affected: yes. Observed: 1 variant allele.
Comment: MIEF2: BP4, BP7

NM_139162.4(MIEF2):c.870C>T (p.Leu290=)

Gene: MIEF2 (mitochondrial elongation factor 2; plus strand). Cytogenetic location: 17p11.2.
Variant type: single nucleotide variant.
Coding change: c.870C>T on transcript NM_139162.4 (MANE Select); coding-DNA position 870, C replaced by T.
Protein change: p.Leu290=; no amino-acid change (leucine 290 retained).
Molecular consequence: synonymous variant. On other transcripts: 3 prime UTR variant (1).
Genome position (GRCh38, 1-based): chr17:18,264,269, C>T. VCF-style: chr17-18264269-C-T. GRCh37 (hg19) VCF-style: chr17-18167583-C-T.
Other names: c.*178C>T (NM_001144900.3); c.903C>T, p.Leu301= (NM_148886.2).
Identifiers: ClinVar variation 4681590 (VCV004681590.5).
Genomic context (GRCh38, chr17:18,264,269, plus strand): 5'-CATTGGCAGCCTTCTCGGGTGCCTGATCCGGCCCAGCATGGCCTCGGAGGAGCTGCTGCT[C>T]GAGGTGCAGCACGAACGCCTGGAGCTCACTGTGGCTGTGCTTGTGGCAGTCCCTGGGGTC-3'
Protein context (NP_631901.2, residues 280-300): RPSMASEELL[Leu290=]EVQHERLELT